The following is an entry in ClinVar:

ClinVar aggregate classification (germline): Uncertain significance. Review status: criteria provided, multiple submitters, no conflicts (2 of 4 stars). 8 submissions from 8 submitters: Uncertain significance (8). Last evaluated 2026-01-20.

Conditions:
Familial cancer of breast. Also called: Hereditary breast cancer; BREAST CANCER, FAMILIAL; hereditary breast carcinoma. Identifiers: Orphanet 227535, MedGen C0346153, MONDO:0016419, OMIM 114480. Disease mechanism: loss of function.
Hereditary breast ovarian cancer syndrome. Also called: Hereditary breast and ovarian cancer; Hereditary breast and/or ovarian cancer syndrome; Hereditary breast and ovarian cancer syndrome; Hereditary breast and ovarian cancer syndrome (HBOC); Breast and ovarian cancer; BRCA1- and BRCA2-Associated Hereditary Breast and Ovarian Cancer. Identifiers: Orphanet 145, MedGen C0677776, MeSH D061325, MONDO:0003582. Disease mechanism: loss of function.
Hereditary cancer-predisposing syndrome. Also called: Hereditary neoplastic syndrome; Tumor predisposition; Neoplastic Syndromes, Hereditary; Hereditary Cancer Syndrome. Identifiers: Orphanet 140162, MedGen C0027672, MeSH D009386, MONDO:0015356.

Submissions (8):

Labcorp Genetics (formerly Invitae), Labcorp
Classification: Uncertain significance for Familial cancer of breast. Last evaluated: 2026-01-20. Review status: criteria provided, single submitter. Criteria: Invitae Variant Classification Sherloc (09022015). Collection method: clinical testing. Allele origin: germline.
Comment: This variant, c.30_44del, results in the deletion of 5 amino acid(s) of the BARD1 protein (p.Gln11_Arg15del), but otherwise preserves the integrity of the reading frame. This variant is present in population databases (rs587781297, gnomAD 0.007%). This variant has not been reported in the literature in individuals affected with BARD1-related conditions. ClinVar contains an entry for this variant (Variation ID: 419844). Experimental studies and prediction algorithms are not available or were not evaluated, and the functional significance of this variant is currently unknown. In summary, the available evidence is currently insufficient to determine the role of this variant in disease. Therefore, it has been classified as a Variant of Uncertain Significance.

Ambry Genetics
Classification: Uncertain significance for Hereditary cancer-predisposing syndrome. Last evaluated: 2025-04-10. Review status: criteria provided, single submitter. Criteria: Ambry Variant Classification Scheme 2023. Collection method: clinical testing. Allele origin: germline.
Comment: The c.30_44del15 variant (also known as p.Q11_R15del) is located in coding exon 1 of the BARD1 gene. This variant results from an in-frame deletion of 15 nucleotides between nucleotide positions 30 and 44, resulting in a deletion of 5 amino acids. This amino acid region is poorly conserved in available vertebrate species. This allele was reported in one heterozygous individual in population-based cohorts in the Genome Aggregation Database (gnomAD). In addition, the in silico prediction for this alteration is inconclusive (Choi Y et al. PLoS ONE. 2012; 7(10):e46688). Since supporting evidence is limited at this time, the clinical significance of this alteration remains unclear.

Quest Diagnostics Nichols Institute San Juan Capistrano
Classification: Uncertain significance. Last evaluated: 2024-12-18. Review status: criteria provided, single submitter. Criteria: Quest Diagnostics criteria. Collection method: clinical testing. Allele origin: unknown.
Comment: The BARD1 c.30_44del (p.Gln11_Arg15del) variant has been reported in the published literature in individuals with biliary tract cancer as well as in reportedly healthy individuals (PMID: 36243179 (2022)). The frequency of this variant in the general population (Genome Aggregation Database) is uninformative in the assessment of its pathogenicity. Based on the available information, we are unable to determine the clinical significance of this variant.

Baylor Genetics
Classification: Uncertain significance for Familial cancer of breast. Last evaluated: 2024-03-27. Review status: criteria provided, single submitter. Criteria: ACMG Guidelines, 2015. Collection method: clinical testing. Allele origin: unknown.

GeneDx
Classification: Uncertain significance. Last evaluated: 2024-01-25. Review status: criteria provided, single submitter. Criteria: GeneDx Variant Classification Process June 2021. Collection method: clinical testing. Allele origin: germline. Affected: yes.
Comment: In-frame deletion of 5 amino acids in a non-repeat region; In silico analysis supports that this variant does not alter protein structure/function; Not observed at significant frequency in large population cohorts (gnomAD); Observed in individuals with biliary tract cancers but also in unaffected controls (PMID: 36243179); This variant is associated with the following publications: (PMID: 36243179)

Department of Pathology and Laboratory Medicine, Sinai Health System
Classification: Uncertain significance for Hereditary breast ovarian cancer syndrome. Last evaluated: 2022-03-08. Review status: criteria provided, single submitter. Criteria: ACMG Guidelines, 2015. Collection method: clinical testing. Allele origin: germline. Affected: yes.

Color Diagnostics, LLC DBA Color Health
Classification: Uncertain significance for Hereditary cancer-predisposing syndrome. Last evaluated: 2021-02-17. Review status: criteria provided, single submitter. Criteria: ACMG Guidelines, 2015. Collection method: clinical testing. Allele origin: germline.
Comment: This variant causes an in-frame deletion of five amino acids of the BARD1 protein. To our knowledge, functional studies have not been reported for this variant. This variant has not been reported in individuals affected with hereditary cancer in the literature. This variant has been identified in 1/203892 chromosomes in the general population by the Genome Aggregation Database (gnomAD). The available evidence is insufficient to determine the role of this variant in disease conclusively. Therefore, this variant is classified as a Variant of Uncertain Significance.

Breakthrough Genomics
Classification: Uncertain significance. Review status: criteria provided, single submitter. Criteria: ACMG Guidelines, 2015. Collection method: not provided. Allele origin: germline. Inheritance: Autosomal dominant inheritance. Affected: yes.

Literature cited by the submitters: PubMed 36243179 (cited by Quest Diagnostics Nichols Institute San Juan Capistrano).

NM_000465.4(BARD1):c.30_44del (p.Gln11_Arg15del)

Gene: BARD1 (BRCA1 associated RING domain 1; minus strand). Cytogenetic location: 2q35.
Variant type: Deletion.
Coding change: c.30_44del on transcript NM_000465.4 (MANE Select); coding-DNA positions 30 to 44, 15 bases deleted (GCAGCCGAGGATCCG).
Protein change: p.Gln11_Arg15del.
Molecular consequence: inframe deletion. On other transcripts: non-coding transcript variant (3).
Genome position (GRCh38, 1-based): chr2:214,809,526-214,809,540, CGGATCCTCGGCTGC deleted on the plus strand (GCAGCCGAGGATCCG on the coding strand, the reverse complement: BARD1 is on the minus strand); deleting any 15 consecutive bases within chr2:214,809,526-214,809,543 gives the same sequence; the c. name uses the placement nearest the transcript's 3' end. VCF-style (leftmost placement, unchanged base first): chr2-214809525-GCGGATCCTCGGCTGC-G. GRCh37 (hg19) VCF-style: chr2-215674249-GCGGATCCTCGGCTGC-G.
Other names: c.30_44del, p.Gln11_Arg15del (NM_001282543.2, NM_001282545.2, NM_001282548.2 and 1 more transcripts); c.30_44delGCAGCCGAGGATCCG (NM_000465.3, NM_000465.2); c.30_44del15 (NM_000465.2); c.30_44del (NM_000465.2).
Identifiers: ClinVar variation 419844 (VCV000419844.27), dbSNP rs587781297, ClinGen allele CA163636.